The following is an entry in ClinVar:

ClinVar aggregate classification (germline): Uncertain significance (1 of 4 stars; one submission).

Conditions:
Hereditary pheochromocytoma and paraganglioma. Also called: Hereditary Paraganglioma-Pheochromocytoma Syndromes; Hereditary paragangliomas and pheochromocytomas; Hereditary pheochromocytoma-paraganglioma. Identifiers: Orphanet 29072, MedGen C4274332, MONDO:0017366.

gnomAD v4.1: 1 of 1,507,934 alleles (0.000066%); highest among the groups gnomAD compares: South Asian, 0.0012%; no homozygotes.

Submission:

Labcorp Genetics (formerly Invitae), Labcorp
Classification: Uncertain significance for Hereditary pheochromocytoma and paraganglioma. Last evaluated: 2023-01-09. Review status: criteria provided, single submitter. Criteria: Invitae Variant Classification Sherloc (09022015). Collection method: clinical testing. Allele origin: germline.
Comment: This sequence change replaces arginine, which is basic and polar, with glutamine, which is neutral and polar, at codon 15 of the TMEM127 protein (p.Arg15Gln). In summary, the available evidence is currently insufficient to determine the role of this variant in disease. Therefore, it has been classified as a Variant of Uncertain Significance. Algorithms developed to predict the effect of missense changes on protein structure and function are either unavailable or do not agree on the potential impact of this missense change (SIFT: "Deleterious"; PolyPhen-2: "Not Available"; Align-GVGD: "Class C0"). This variant has not been reported in the literature in individuals affected with TMEM127-related conditions. This variant is not present in population databases (gnomAD no frequency).

NM_017849.4(TMEM127):c.44G>A (p.Arg15Gln)

Genes: TMEM127 (transmembrane protein 127; minus strand), LOC129934333 (ATAC-STARR-seq lymphoblastoid silent region 11759; plus strand). Cytogenetic location: 2q11.2.
Variant type: single nucleotide variant.
Coding change: c.44G>A on transcript NM_017849.4 (MANE Select); coding-DNA position 44, G replaced by A.
Protein change: p.Arg15Gln; replaces arginine 15 with glutamine.
Molecular consequence: missense variant.
Genome position (GRCh38, 1-based): chr2:96,265,338, C>T on the plus strand (G>A on the coding strand, the complement: TMEM127 is on the minus strand). VCF-style: chr2-96265338-C-T. GRCh37 (hg19) VCF-style: chr2-96931076-C-T.
Other names: c.44G>A, p.Arg15Gln (NM_001193304.3); short protein forms R15Q.
Identifiers: ClinVar variation 2201343 (VCV002201343.4), dbSNP rs2104308338, ClinGen allele CA347656245.